The following is an entry in ClinVar:

NM_001851.6(COL9A1):c.14+132G>A

Gene: COL9A1 (collagen type IX alpha 1 chain; minus strand). Cytogenetic location: 6q13.
Variant type: single nucleotide variant.
Coding change: c.14+132G>A on transcript NM_001851.6 (MANE Select); 132 bases into the intron after coding-DNA position 14, G replaced by A.
Molecular consequence: intron variant.
Genome position (GRCh38, 1-based): chr6:70,302,779, C>T on the plus strand (G>A on the coding strand, the complement: COL9A1 is on the minus strand). VCF-style: chr6-70302779-C-T. GRCh37 (hg19) VCF-style: chr6-71012482-C-T.
Other names: c.14+132G>A (NM_001377291.1).
Identifiers: ClinVar variation 677934 (VCV000677934.2), dbSNP rs117734911, ClinGen allele CA140831839.

ClinVar aggregate classification (germline): Likely benign. Review status: criteria provided, multiple submitters, no conflicts (2 of 4 stars). 2 submissions from 2 submitters: Likely benign (2). Last evaluated 2018-06-14.

Allele frequency attached by ClinVar (database versions not stated): 1000 Genomes Project 0.01478; 1000 Genomes Project 30x 0.01515; TOPMed 0.02617; gnomAD 0.02734 and 0.02830; gnomAD exomes 0.03373.
gnomAD v4.1: 33,126 of 1,015,414 alleles (3.3%); highest among the groups gnomAD compares: Non-Finnish European, 4.4%; 764 homozygotes.

Submissions (2):

GeneDx
Classification: Likely benign. Last evaluated: 2018-06-14. Review status: criteria provided, single submitter. Criteria: GeneDx Variant Classification (06012015). Collection method: clinical testing. Allele origin: germline. Affected: yes.
Comment: This variant is considered likely benign or benign based on one or more of the following criteria: it is a conservative change, it occurs at a poorly conserved position in the protein, it is predicted to be benign by multiple in silico algorithms, and/or has population frequency not consistent with disease.

Breakthrough Genomics
Classification: Likely benign. Review status: criteria provided, single submitter. Criteria: ACMG Guidelines, 2015. Collection method: not provided. Allele origin: germline. Inheritance: Autosomal dominant inheritance. Affected: yes.